The following is an entry in ClinVar:

ClinVar aggregate classification (germline): Uncertain significance (1 of 4 stars; one submission).

Conditions:
Familial adenomatous polyposis 1 (FAP1). Also called: POLYPOSIS, ADENOMATOUS INTESTINAL; FAMILIAL ADENOMATOUS POLYPOSIS 1, ATTENUATED. Identifiers: MedGen C2713442, MONDO:0021056, OMIM 175100. Disease mechanism: loss of function.

Submission:

Labcorp Genetics (formerly Invitae), Labcorp
Classification: Uncertain significance for Familial adenomatous polyposis 1. Last evaluated: 2024-07-24. Review status: criteria provided, single submitter. Criteria: Invitae Variant Classification Sherloc (09022015). Collection method: clinical testing. Allele origin: germline.
Comment: This sequence change replaces tryptophan, which is neutral and slightly polar, with arginine, which is basic and polar, at codon 423 of the APC protein (p.Trp423Arg). This variant is not present in population databases (gnomAD no frequency). This variant has not been reported in the literature in individuals affected with APC-related conditions. Advanced modeling of protein sequence and biophysical properties (such as structural, functional, and spatial information, amino acid conservation, physicochemical variation, residue mobility, and thermodynamic stability) performed at Invitae indicates that this missense variant is not expected to disrupt APC protein function with a negative predictive value of 95%. In summary, the available evidence is currently insufficient to determine the role of this variant in disease. Therefore, it has been classified as a Variant of Uncertain Significance.

NM_000038.6(APC):c.1267T>C (p.Trp423Arg)

Gene: APC (APC regulator of Wnt signaling pathway; plus strand). Cytogenetic location: 5q22.2.
Variant type: single nucleotide variant.
Coding change: c.1267T>C on transcript NM_000038.6 (MANE Select); coding-DNA position 1267, T replaced by C.
Protein change: p.Trp423Arg; replaces tryptophan 423 with arginine.
Molecular consequence: missense variant. On other transcripts: non-coding transcript variant (2).
Genome position (GRCh38, 1-based): chr5:112,819,299, T>C. VCF-style: chr5-112819299-T-C. GRCh37 (hg19) VCF-style: chr5-112154996-T-C.
Other names: c.1267T>C, p.Trp423Arg (NM_001127510.3, NM_001354895.2, NM_001354896.2 and 4 more transcripts); c.1213T>C, p.Trp405Arg (NM_001127511.3); c.1297T>C, p.Trp433Arg (NM_001354897.2, NM_001407446.1); c.1192T>C, p.Trp398Arg (NM_001354898.2, NM_001407451.1); c.1183T>C, p.Trp395Arg (NM_001354899.2, NM_001407452.1); c.1090T>C, p.Trp364Arg (NM_001354900.2, NM_001354901.2, NM_001407453.1); c.994T>C, p.Trp332Arg (NM_001354902.2); c.964T>C, p.Trp322Arg (NM_001354903.2, NM_001407454.1, NM_001407455.1 and 5 more transcripts); and 5 more; short protein forms W297R, W398R, W39R, W405R, W294R, W332R, W364R, W423R.
Identifiers: ClinVar variation 3712826 (VCV003712826.2).